The following is an entry in ClinVar:

ClinVar aggregate classification (germline): Benign. Review status: criteria provided, multiple submitters, no conflicts (2 of 4 stars). 2 submissions from 2 submitters: Benign (2). Last evaluated 2018-06-19.

Allele frequency attached by ClinVar (database versions not stated): TOPMed 0.11008; gnomAD 0.11039 and 0.10537; 1000 Genomes Project 30x 0.15693; 1000 Genomes Project 0.15755.
gnomAD v4.1: 16,696 of 152,226 alleles (11%); highest among the groups gnomAD compares: East Asian, 23%; 1,038 homozygotes.

Submissions (2):

GeneDx
Classification: Benign. Last evaluated: 2018-06-19. Review status: criteria provided, single submitter. Criteria: GeneDx Variant Classification (06012015). Collection method: clinical testing. Allele origin: germline. Affected: yes.
Comment: This variant is considered likely benign or benign based on one or more of the following criteria: it is a conservative change, it occurs at a poorly conserved position in the protein, it is predicted to be benign by multiple in silico algorithms, and/or has population frequency not consistent with disease.

Breakthrough Genomics
Classification: Benign. Review status: criteria provided, single submitter. Criteria: ACMG Guidelines, 2015. Collection method: not provided. Allele origin: germline. Inheritance: Autosomal recessive inheritance. Affected: yes.

NM_016729.3(FOLR1):c.169-186C>G

Genes: FOLR1 (folate receptor alpha; plus strand), FOLR1-AS1 (FOLR1 antisense RNA 1; minus strand). Cytogenetic location: 11q13.4.
Variant type: single nucleotide variant.
Coding change: c.169-186C>G on transcript NM_016729.3 (MANE Select); 186 bases into the intron before coding-DNA position 169, C replaced by G.
Molecular consequence: intron variant.
Genome position (GRCh38, 1-based): chr11:72,195,085, C>G. VCF-style: chr11-72195085-C-G. GRCh37 (hg19) VCF-style: chr11-71906129-C-G.
Other names: c.169-186C>G (NM_016724.3, NM_016725.3, NM_000802.3).
Identifiers: ClinVar variation 680243 (VCV000680243.2), dbSNP rs35805771, ClinGen allele CA224404244.